The following is an entry in ClinVar:

NM_001384125.1(BLTP1):c.15G>A (p.Lys5=)

Gene: BLTP1 (bridge-like lipid transfer protein family member 1; plus strand). Cytogenetic location: 4q27.
Variant type: single nucleotide variant.
Coding change: c.15G>A on transcript NM_001384125.1 (MANE Select); coding-DNA position 15, G replaced by A.
Protein change: p.Lys5=; no amino-acid change (lysine 5 retained).
Molecular consequence: synonymous variant.
Genome position (GRCh38, 1-based): chr4:122,170,662, G>A. VCF-style: chr4-122170662-G-A. GRCh37 (hg19) VCF-style: chr4-123091817-G-A.
Other names: c.15G>A, p.Lys5= (NM_015312.4).
Identifiers: ClinVar variation 3041193 (VCV003041193.2), dbSNP rs147412676, ClinGen allele CA3065236.

ClinVar aggregate classification (germline): Likely benign (0 of 4 stars; one submission).

Conditions:
BLTP1-related disorder. Also called: BLTP1-related condition.

Allele frequency attached by ClinVar (database versions not stated): gnomAD exomes 0.00001; ExAC 0.00005; TOPMed 0.00012; gnomAD 0.00014; ESP Exome Variant Server 0.00017; 1000 Genomes Project 30x 0.00031; 1000 Genomes Project 0.00040.
gnomAD v4.1: 32 of 1,574,770 alleles (0.002%); highest among the groups gnomAD compares: African/African-American, 0.038%; no homozygotes.

Submission:

PreventionGenetics, part of Exact Sciences
Classification: Likely benign for BLTP1-related condition. Last evaluated: 2019-05-15. Review status: no assertion criteria provided. Collection method: clinical testing. Allele origin: germline.
Comment: This variant is classified as likely benign based on ACMG/AMP sequence variant interpretation guidelines (Richards et al. 2015 PMID: 25741868, with internal and published modifications).